The following is an entry in ClinVar:

ClinVar aggregate classification (germline): Pathogenic (1 of 4 stars; one submission).

Submission:

Labcorp Genetics (formerly Invitae), Labcorp
Classification: Pathogenic. Last evaluated: 2023-10-17. Review status: criteria provided, single submitter. Criteria: Invitae Variant Classification Sherloc (09022015). Collection method: clinical testing. Allele origin: germline.
Comment: This sequence change creates a premature translational stop signal (p.Glu1504Aspfs*39) in the ABCA12 gene. It is expected to result in an absent or disrupted protein product. Loss-of-function variants in ABCA12 are known to be pathogenic (PMID: 20672373). This variant is not present in population databases (gnomAD no frequency). This premature translational stop signal has been observed in individual(s) with congenital ichthyosis (PMID: 36980989). For these reasons, this variant has been classified as Pathogenic.

Literature cited by the submitters: PubMed 20672373; PubMed 36980989.

NM_173076.3(ABCA12):c.4512_4515del (p.Glu1504fs)

Gene: ABCA12 (ATP binding cassette subfamily A member 12; minus strand). Cytogenetic location: 2q35.
Variant type: Deletion.
Coding change: c.4512_4515del on transcript NM_173076.3 (MANE Select); coding-DNA positions 4512 to 4515, 4 bases deleted (ACCA; older notation c.4512_4515delACCA).
Protein change: p.Glu1504fs; shifts the reading frame from glutamic acid 1504.
Molecular consequence: frameshift variant. On other transcripts: non-coding transcript variant (1).
Genome position (GRCh38, 1-based): chr2:214,982,251-214,982,254, TGGT deleted on the plus strand (ACCA on the coding strand, the reverse complement: ABCA12 is on the minus strand); deleting any 4 consecutive bases within chr2:214,982,251-214,982,255 gives the same sequence; the c. name uses the placement nearest the transcript's 3' end. VCF-style (leftmost placement, unchanged base first): chr2-214982250-ATGGT-A. GRCh37 (hg19) VCF-style: chr2-215846974-ATGGT-A.
Other names: c.3558_3561del, p.Glu1186fs (NM_015657.4); short protein forms E1504fs, E1186fs.
Identifiers: ClinVar variation 2769473 (VCV002769473.3), dbSNP rs2469233860, ClinGen allele CA2586971424.